The following is an entry in ClinVar:

NM_000180.4(GUCY2D):c.2921G>A (p.Arg974His)

Gene: GUCY2D (guanylate cyclase 2D, retinal; plus strand). Cytogenetic location: 17p13.1.
Variant type: single nucleotide variant.
Coding change: c.2921G>A on transcript NM_000180.4 (MANE Select); coding-DNA position 2921, G replaced by A.
Protein change: p.Arg974His; replaces arginine 974 with histidine.
Molecular consequence: missense variant.
Genome position (GRCh38, 1-based): chr17:8,015,479, G>A. VCF-style: chr17-8015479-G-A. GRCh37 (hg19) VCF-style: chr17-7918797-G-A.
Other names: short protein forms R974H.
Identifiers: ClinVar variation 194464 (VCV000194464.9), dbSNP rs776083430, ClinGen allele CA240433.
Genomic context (GRCh38, chr17:8,015,479, plus strand): 5'-TGGACATCCTCAGTGCCGTGGGCACTTTCCGCATGCGCCATATGCCTGAGGTTCCCGTGC[G>A]CATCCGCATAGGCCTGCACTCGGGTAACTCCCGGGTCTTCCCAGGCTCCAGCCCATCTCC-3'
Protein context (NP_000171.1, residues 964-984): RMRHMPEVPV[Arg974His]IRIGLHSGPC

ClinVar aggregate classification (germline): Uncertain significance. Review status: criteria provided, multiple submitters, no conflicts (2 of 4 stars). 3 submissions from 3 submitters: Uncertain significance (3). Last evaluated 2025-04-04.

Conditions:
Leber congenital amaurosis 1 (LCA1). Also called: AMAUROSIS CONGENITA OF LEBER I; RETINAL BLINDNESS, CONGENITAL; Congenital absence of the rods and cones; Leber's congenital tapetoretinal degeneration; Leber's congenital tapetoretinal dysplasia. Identifiers: Orphanet 65, MedGen C2931258, MONDO:0008764, OMIM 204000.
Cone-rod dystrophy 6 (CORD6). Also called: Cone dystrophy progressive; RETINAL CONE DYSTROPHY 2. Identifiers: Orphanet 1872, MedGen C1866293, MONDO:0011143, OMIM 601777.

Allele frequency attached by ClinVar (database versions not stated): ExAC 0.00002; gnomAD 0.00002; TOPMed 0.00002.
gnomAD v4.1: 14 of 1,612,634 alleles (0.00087%); highest among the groups gnomAD compares: Admixed American, 0.005%; no homozygotes.

Submissions (3):

Labcorp Genetics (formerly Invitae), Labcorp
Classification: Uncertain significance for Leber congenital amaurosis 1; Cone-rod dystrophy 6. Last evaluated: 2025-04-04. Review status: criteria provided, single submitter. Criteria: Invitae Variant Classification Sherloc (09022015). Collection method: clinical testing. Allele origin: germline.
Comment: This sequence change replaces arginine, which is basic and polar, with histidine, which is basic and polar, at codon 974 of the GUCY2D protein (p.Arg974His). This variant is present in population databases (rs776083430, gnomAD 0.006%). This missense change has been observed in individual(s) with inherited retinal disorder (PMID: 32483926). ClinVar contains an entry for this variant (Variation ID: 194464). Invitae Evidence Modeling of protein sequence and biophysical properties (such as structural, functional, and spatial information, amino acid conservation, physicochemical variation, residue mobility, and thermodynamic stability) indicates that this missense variant is not expected to disrupt GUCY2D protein function with a negative predictive value of 80%. In summary, the available evidence is currently insufficient to determine the role of this variant in disease. Therefore, it has been classified as a Variant of Uncertain Significance.

Blueprint Genetics
Classification: Uncertain significance. Last evaluated: 2024-03-07. Review status: criteria provided, single submitter. Criteria: ACMG Guidelines, 2015. Collection method: clinical testing. Allele origin: germline.

Eurofins Ntd Llc (ga)
Classification: Uncertain significance. Last evaluated: 2014-10-15. Review status: criteria provided, single submitter. Criteria: EGL Classification Definitions 2015. Collection method: clinical testing. Allele origin: germline. Observed: 1 variant allele, 1 heterozygote.

Literature cited by the submitters: PubMed 32483926 (cited by Labcorp Genetics (formerly Invitae), Labcorp).